The following is an entry in ClinVar:

ClinVar aggregate classification (germline): Uncertain significance (1 of 4 stars; one submission).

Submission:

GeneDx
Classification: Uncertain significance. Last evaluated: 2024-08-20. Review status: criteria provided, single submitter. Criteria: GeneDx Variant Classification Process June 2021. Collection method: clinical testing. Allele origin: germline. Affected: yes.
Comment: Not observed at significant frequency in large population cohorts (gnomAD); In silico analysis supports that this missense variant has a deleterious effect on protein structure/function; This substitution is predicted to be within the cytoplasmic loop between the first and second homologous domains; Has not been previously published as pathogenic or benign to our knowledge

NM_001165963.4(SCN1A):c.1667T>C (p.Leu556Ser)

Gene: SCN1A (sodium voltage-gated channel alpha subunit 1; minus strand). Cytogenetic location: 2q24.3.
Variant type: single nucleotide variant.
Coding change: c.1667T>C on transcript NM_001165963.4 (MANE Select); coding-DNA position 1667, T replaced by C.
Protein change: p.Leu556Ser; replaces leucine 556 with serine.
Molecular consequence: missense variant. On other transcripts: 5 prime UTR variant (1), non-coding transcript variant (1).
Genome position (GRCh38, 1-based): chr2:166,044,045, A>G on the plus strand (T>C on the coding strand, the complement: SCN1A is on the minus strand). VCF-style: chr2-166044045-A-G. GRCh37 (hg19) VCF-style: chr2-166900555-A-G.
Other names: c.1667T>C, p.Leu556Ser (NM_001165964.3, NM_001202435.3, NM_001353948.2 and 7 more transcripts); c.1664T>C, p.Leu555Ser (NM_001353954.2, NM_001353955.2, NM_001353960.2); c.-759T>C (NM_001353961.2); short protein forms L555S, L556S.
Identifiers: ClinVar variation 3766191 (VCV003766191.1).
Genomic context (GRCh38, chr2:166,044,045, plus strand): 5'-CTGAAAAGGCTTGTTCTGCTATTTCGCCTTGGTGAAAATAGGGAGCCACGGATGCTCAAC[A>G]AAGACTAGAAGTTTGAAAGAGCAAACAAATAAAGTCATATTAATATGGACATTTGAATGT-3'
Protein context (NP_001159435.1, residues 546-566): EKRYSSPHQS[Leu556Ser]LSIRGSLFSP